The following is an entry in ClinVar:

ClinVar aggregate classification (germline): Uncertain significance (1 of 4 stars; one submission).

Conditions:
FIG4-related disorder. Also called: FIG4-related disorders; FIG4-related condition.

Submission:

Illumina Laboratory Services, Illumina
Classification: Uncertain significance. Last evaluated: 2020-12-11. Review status: criteria provided, single submitter. Criteria: ICSLVariantClassificationCriteria RUGD 01 April 2020. Collection method: clinical testing. Allele origin: unknown.
Comment: The FIG4 c.1109C>T (p.Ser370Phe) variant is a missense variant. A literature search was performed for the gene, cDNA change, and amino acid change. No publications were found based on this search. This variant is not found in the Genome Aggregation Database in a region of good sequence coverage, so the variant is presumed to be rare. The p.Ser370Phe variant is predicted to be damaging based on in silico tools. Based on the limited evidence, the p.Ser370Phe variant is classified as a variant of uncertain significance for FIG4-related disorders.

NM_014845.6(FIG4):c.1109C>T (p.Ser370Phe)

Gene: FIG4 (FIG4 phosphoinositide 5-phosphatase; plus strand). Cytogenetic location: 6q21.
Variant type: single nucleotide variant.
Coding change: c.1109C>T on transcript NM_014845.6 (MANE Select); coding-DNA position 1109, C replaced by T.
Protein change: p.Ser370Phe; replaces serine 370 with phenylalanine.
Molecular consequence: missense variant.
Genome position (GRCh38, 1-based): chr6:109,743,744, C>T. VCF-style: chr6-109743744-C-T. GRCh37 (hg19) VCF-style: chr6-110064947-C-T.
Other names: short protein forms S370F.
Identifiers: ClinVar variation 1199208 (VCV001199208.4), dbSNP rs2128387081, ClinGen allele CA365222468.